The following is an entry in ClinVar:

NM_004380.3(CREBBP):c.2415G>C (p.Ala805=)

Gene: CREBBP (CREB binding lysine acetyltransferase; minus strand). Cytogenetic location: 16p13.3.
Variant type: single nucleotide variant.
Coding change: c.2415G>C on transcript NM_004380.3 (MANE Select); coding-DNA position 2415, G replaced by C.
Protein change: p.Ala805=; no amino-acid change (alanine 805 retained).
Molecular consequence: synonymous variant.
Genome position (GRCh38, 1-based): chr16:3,773,799, C>G on the plus strand (G>C on the coding strand, the complement: CREBBP is on the minus strand). VCF-style: chr16-3773799-C-G. GRCh37 (hg19) VCF-style: chr16-3823800-C-G.
Other names: c.2301G>C, p.Ala767= (NM_001079846.1).
Identifiers: ClinVar variation 1990673 (VCV001990673.18), dbSNP rs368664039, ClinGen allele CA7870142.

ClinVar aggregate classification (germline): Likely benign. Review status: criteria provided, multiple submitters, no conflicts (2 of 4 stars). 3 submissions from 3 submitters: Likely benign (3). Last evaluated 2025-01-01.

Conditions:
Rubinstein-Taybi syndrome (RSTS). Identifiers: Orphanet 783, MedGen C0035934, MONDO:0019188.

gnomAD v4.1: 33 of 1,613,632 alleles (0.002%); highest among the groups gnomAD compares: South Asian, 0.02%; 1 homozygote.

Submissions (3):

CeGaT Center for Human Genetics Tuebingen
Classification: Likely benign. Last evaluated: 2025-01-01. Review status: criteria provided, single submitter. Criteria: CeGaT Center For Human Genetics Tuebingen Variant Classification Criteria Version 2. Collection method: clinical testing. Allele origin: germline. Affected: yes. Observed: 1 variant allele.
Comment: CREBBP: BP4, BP7

Blueprint Genetics
Classification: Likely benign. Last evaluated: 2024-08-01. Review status: criteria provided, single submitter. Criteria: ACMG Guidelines, 2015. Collection method: clinical testing. Allele origin: germline.

Labcorp Genetics (formerly Invitae), Labcorp
Classification: Likely benign for Rubinstein-Taybi syndrome. Last evaluated: 2022-03-01. Review status: criteria provided, single submitter. Criteria: Invitae Variant Classification Sherloc (09022015). Collection method: clinical testing. Allele origin: germline.